The following is an entry in ClinVar:

NM_024753.5(TTC21B):c.1087+151_1087+152insTAAAAA

Gene: TTC21B (tetratricopeptide repeat domain 21B; minus strand). Cytogenetic location: 2q24.3.
Variant type: Insertion.
Coding change: c.1087+151_1087+152insTAAAAA on transcript NM_024753.5 (MANE Select); bases 151 to 152 of the intron after coding-DNA position 1087, TAAAAA inserted.
Molecular consequence: intron variant.
Genome position: GRCh38 VCF-style: chr2-165930020-A-ATTTTAT. GRCh37 (hg19) VCF-style: chr2-166786530-A-ATTTTAT.
Identifiers: ClinVar variation 670824 (VCV000670824.1), dbSNP rs79188732, ClinGen allele CA59806137.

ClinVar aggregate classification (germline): Benign (1 of 4 stars; one submission).

Submission:

GeneDx
Classification: Benign. Last evaluated: 2018-06-16. Review status: criteria provided, single submitter. Criteria: GeneDx Variant Classification (06012015). Collection method: clinical testing. Allele origin: germline. Affected: yes.
Comment: This variant is considered likely benign or benign based on one or more of the following criteria: it is a conservative change, it occurs at a poorly conserved position in the protein, it is predicted to be benign by multiple in silico algorithms, and/or has population frequency not consistent with disease.